The following is an entry in ClinVar:

NM_000256.3(MYBPC3):c.1215G>A (p.Met405Ile)

Gene: MYBPC3 (myosin binding protein C3; minus strand). Cytogenetic location: 11p11.2.
Variant type: single nucleotide variant.
Coding change: c.1215G>A on transcript NM_000256.3 (MANE Select); coding-DNA position 1215, G replaced by A.
Protein change: p.Met405Ile; replaces methionine 405 with isoleucine.
Molecular consequence: missense variant.
Genome position (GRCh38, 1-based): chr11:47,343,500, C>T on the plus strand (G>A on the coding strand, the complement: MYBPC3 is on the minus strand). VCF-style: chr11-47343500-C-T. GRCh37 (hg19) VCF-style: chr11-47365051-C-T.
Other names: short protein forms M405I.
Identifiers: ClinVar variation 3073911 (VCV003073911.2), dbSNP rs2495765445, ClinGen allele CA380328477.
Genomic context (GRCh38, chr11:47,343,500, plus strand): 5'-CTATGGGGGTCCCCACCTCCACCCGAGCCCCCCTCCCCACCCCAGGCTGCACCTGCCGCT[C>T]ATCTGGATCTCCTGGCCATTCTTGAGCCATTTGACCTCAGCGTCATGGTCAGCCAGTTCC-3'
Protein context (NP_000247.2, residues 395-415): KWLKNGQEIQ[Met405Ile]SGSKYIFESI

ClinVar aggregate classification (germline): Uncertain significance. Review status: criteria provided, multiple submitters, no conflicts (2 of 4 stars). 2 submissions from 2 submitters: Uncertain significance (2). Last evaluated 2024-03-19.

Conditions:
Hypertrophic cardiomyopathy. Also called: HYPERTROPHIC MYOCARDIOPATHY. Identifiers: Orphanet 217569, MedGen C0007194, MeSH D002312, MONDO:0005045, HP:0001639.

gnomAD v4.1: 1 of 1,594,378 alleles (0.000063%); highest among the groups gnomAD compares: South Asian, 0.0011%; no homozygotes.

Submissions (2):

Labcorp Genetics (formerly Invitae), Labcorp
Classification: Uncertain significance for Hypertrophic cardiomyopathy. Last evaluated: 2024-03-19. Review status: criteria provided, single submitter. Criteria: Invitae Variant Classification Sherloc (09022015). Collection method: clinical testing. Allele origin: germline.
Comment: This sequence change replaces methionine, which is neutral and non-polar, with isoleucine, which is neutral and non-polar, at codon 405 of the MYBPC3 protein (p.Met405Ile). This variant is not present in population databases (gnomAD no frequency). This variant has not been reported in the literature in individuals affected with MYBPC3-related conditions. An algorithm developed to predict the effect of missense changes on protein structure and function (PolyPhen-2) suggests that this variant¬†is likely to be tolerated. In summary, the available evidence is currently insufficient to determine the role of this variant in disease. Therefore, it has been classified as a Variant of Uncertain Significance.

All of Us Research Program, National Institutes of Health
Classification: Uncertain significance for Hypertrophic cardiomyopathy. Last evaluated: 2023-11-30. Review status: criteria provided, single submitter. Criteria: ACMG Guidelines, 2015. Collection method: clinical testing. Allele origin: germline. Inheritance: Autosomal dominant inheritance. Observed: 1 variant allele, 1 heterozygote.
Comment: This study involves interpretation of variants in research participants for the purpose of population health screening. Participant phenotype was not available at the time of variant classification. Additional details can be found in publication PMID: 35346344, PMCID: PMC8962531